The following is an entry in ClinVar:

ClinVar aggregate classification (germline): Likely benign (1 of 4 stars; one submission).

Conditions:
PKD1-related disorder. Also called: PKD1-related condition.

gnomAD v4.1: 6 of 1,607,202 alleles (0.00037%); highest among the groups gnomAD compares: East Asian, 0.0022%; no homozygotes.

Submission:

PreventionGenetics, part of Exact Sciences
Classification: Likely benign for PKD1-related condition. Last evaluated: 2026-03-12. Review status: criteria provided, single submitter. Criteria: ACMG Guidelines, 2015. Collection method: clinical testing. Allele origin: germline.
Comment: This variant is classified as likely benign based on ACMG/AMP sequence variant interpretation guidelines (Richards et al. 2015 PMID: 25741868, with internal and published modifications).

NM_001009944.3(PKD1):c.3066G>T (p.Leu1022=)

Gene: PKD1 (polycystin 1, transient receptor potential channel interacting; minus strand). Cytogenetic location: 16p13.3.
Variant type: single nucleotide variant.
Coding change: c.3066G>T on transcript NM_001009944.3 (MANE Select); coding-DNA position 3066, G replaced by T.
Protein change: p.Leu1022=; no amino-acid change (leucine 1022 retained).
Molecular consequence: synonymous variant.
Genome position (GRCh38, 1-based): chr16:2,112,883, C>A on the plus strand (G>T on the coding strand, the complement: PKD1 is on the minus strand). VCF-style: chr16-2112883-C-A. GRCh37 (hg19) VCF-style: chr16-2162884-C-A.
Other names: c.3066G>T, p.Leu1022= (NM_000296.4).
Identifiers: ClinVar variation 4998036 (VCV004998036.1).